The following is an entry in ClinVar:

NM_000891.3(KCNJ2):c.191A>G (p.Lys64Arg)

Gene: KCNJ2 (potassium inwardly rectifying channel subfamily J member 2; plus strand). Cytogenetic location: 17q24.3.
Variant type: single nucleotide variant.
Coding change: c.191A>G on transcript NM_000891.3 (MANE Select); coding-DNA position 191, A replaced by G.
Protein change: p.Lys64Arg; replaces lysine 64 with arginine.
Molecular consequence: missense variant.
Genome position (GRCh38, 1-based): chr17:70,175,230, A>G. VCF-style: chr17-70175230-A-G. GRCh37 (hg19) VCF-style: chr17-68171371-A-G.
Other names: short protein forms K64R.
Identifiers: ClinVar variation 1475585 (VCV001475585.6), dbSNP rs2144376559, ClinGen allele CA400860074.
Genomic context (GRCh38, chr17:70,175,230, plus strand): 5'-GGAGCCGCTTTGTGAAGAAAGATGGCCACTGTAATGTTCAGTTCATCAATGTGGGTGAGA[A>G]GGGGCAACGGTACCTCGCAGACATCTTCACCACGTGTGTGGACATTCGCTGGCGGTGGAT-3'
Protein context (NP_000882.1, residues 54-74): CNVQFINVGE[Lys64Arg]GQRYLADIFT

ClinVar aggregate classification (germline): Uncertain significance (1 of 4 stars; one submission).

Conditions:
Andersen Tawil syndrome (LQT7). Also called: ANDERSEN CARDIODYSRHYTHMIC PERIODIC PARALYSIS; Andersen Syndrome; PERIODIC PARALYSIS, POTASSIUM-SENSITIVE CARDIODYSRHYTHMIC TYPE; LONG QT SYNDROME 7; Potassium-sensitive periodic paralysis, ventricular ectopy, and dysmorphic features. Identifiers: Orphanet 37553, MedGen C1563715, MONDO:0008222, OMIM 170390.
Short QT syndrome type 3. Identifiers: Orphanet 51083, MedGen C1865018, MONDO:0012314, OMIM 609622.

Submission:

Labcorp Genetics (formerly Invitae), Labcorp
Classification: Uncertain significance for Short QT syndrome type 3; Andersen Tawil syndrome. Last evaluated: 2021-09-16. Review status: criteria provided, single submitter. Criteria: Invitae Variant Classification Sherloc (09022015). Collection method: clinical testing. Allele origin: germline.
Comment: In summary, the available evidence is currently insufficient to determine the role of this variant in disease. Therefore, it has been classified as a Variant of Uncertain Significance. Algorithms developed to predict the effect of missense changes on protein structure and function (SIFT, PolyPhen-2, Align-GVGD) all suggest that this variant is likely to be tolerated. This variant has not been reported in the literature in individuals affected with KCNJ2-related conditions. This variant is not present in population databases (ExAC no frequency). This sequence change replaces lysine with arginine at codon 64 of the KCNJ2 protein (p.Lys64Arg). The lysine residue is highly conserved and there is a small physicochemical difference between lysine and arginine.